The following is an entry in ClinVar:

NM_005633.4(SOS1):c.1675C>A (p.Leu559Ile)

Gene: SOS1 (SOS Ras/Rac guanine nucleotide exchange factor 1; minus strand). Cytogenetic location: 2p22.1.
Variant type: single nucleotide variant.
Coding change: c.1675C>A on transcript NM_005633.4 (MANE Select); coding-DNA position 1675, C replaced by A.
Protein change: p.Leu559Ile; replaces leucine 559 with isoleucine.
Molecular consequence: missense variant.
Genome position (GRCh38, 1-based): chr2:39,022,753, G>T on the plus strand (C>A on the coding strand, the complement: SOS1 is on the minus strand). VCF-style: chr2-39022753-G-T. GRCh37 (hg19) VCF-style: chr2-39249894-G-T.
Other names: c.1654C>A, p.Leu552Ile (NM_001382394.1); c.1675C>A, p.Leu559Ile (NM_001382395.1); short protein forms L552I, L559I.
Identifiers: ClinVar variation 1777774 (VCV001777774.8), dbSNP rs2529035077, ClinGen allele CA346365644.

ClinVar aggregate classification (germline): Uncertain significance. Review status: criteria provided, multiple submitters, no conflicts (2 of 4 stars). 2 submissions from 2 submitters: Uncertain significance (2). Last evaluated 2025-05-25.

Conditions:
Cardiovascular phenotype. Identifiers: MedGen CN230736.
RASopathy. Also called: rasopathies; Noonan spectrum disorder. Identifiers: Orphanet 536391, MedGen C5555857, MONDO:0021060.

Submissions (2):

Ambry Genetics
Classification: Uncertain significance for Cardiovascular phenotype. Last evaluated: 2025-05-25. Review status: criteria provided, single submitter. Criteria: Ambry Variant Classification Scheme 2023. Collection method: clinical testing. Allele origin: germline.
Comment: The p.L559I variant (also known as c.1675C>A), located in coding exon 10 of the SOS1 gene, results from a C to A substitution at nucleotide position 1675. The leucine at codon 559 is replaced by isoleucine, an amino acid with highly similar properties. This amino acid position is well conserved in available vertebrate species. In addition, this alteration is predicted to be tolerated by in silico analysis. Since supporting evidence is limited at this time, the clinical significance of this alteration remains unclear.

Labcorp Genetics (formerly Invitae), Labcorp
Classification: Uncertain significance for RASopathy. Last evaluated: 2022-02-08. Review status: criteria provided, single submitter. Criteria: Invitae Variant Classification Sherloc (09022015). Collection method: clinical testing. Allele origin: germline.
Comment: In summary, the available evidence is currently insufficient to determine the role of this variant in disease. Therefore, it has been classified as a Variant of Uncertain Significance. Algorithms developed to predict the effect of missense changes on protein structure and function (SIFT, PolyPhen-2, Align-GVGD) all suggest that this variant is likely to be tolerated. This variant has not been reported in the literature in individuals affected with SOS1-related conditions. This variant is not present in population databases (gnomAD no frequency). This sequence change replaces leucine, which is neutral and non-polar, with isoleucine, which is neutral and non-polar, at codon 559 of the SOS1 protein (p.Leu559Ile).